The following is an entry in ClinVar:

NM_001253697.2(ERBIN):c.4166G>T (p.Gly1389Val)

Gene: ERBIN (erbb2 interacting protein; plus strand). Cytogenetic location: 5q12.3.
Variant type: single nucleotide variant.
Coding change: c.4166G>T on transcript NM_001253697.2 (MANE Select); coding-DNA position 4166, G replaced by T.
Protein change: p.Gly1389Val; replaces glycine 1389 with valine.
Molecular consequence: missense variant.
Genome position (GRCh38, 1-based): chr5:66,078,457, G>T. VCF-style: chr5-66078457-G-T. GRCh37 (hg19) VCF-style: chr5-65374285-G-T.
Other names: c.4187G>T, p.Gly1396Val (NM_001253699.2); c.4031G>T, p.Gly1344Val (NM_001253701.2); c.4043G>T, p.Gly1348Val (NM_018695.4); c.3836G>T, p.Gly1279Val (NM_001006600.3); c.3968G>T, p.Gly1323Val (NM_001253698.2); short protein forms G1279V, G1323V, G1344V, G1348V, G1389V, G1396V.
Identifiers: ClinVar variation 1720967 (VCV001720967.5), dbSNP rs751827759, ClinGen allele CA3286843.

ClinVar aggregate classification (germline): Uncertain significance (1 of 4 stars; one submission).

Allele frequency attached by ClinVar (database versions not stated): ExAC 0.00001.

Submission:

Labcorp Genetics (formerly Invitae), Labcorp
Classification: Uncertain significance. Last evaluated: 2022-10-04. Review status: criteria provided, single submitter. Criteria: Invitae Variant Classification Sherloc (09022015). Collection method: clinical testing. Allele origin: germline.
Comment: This sequence change replaces glycine, which is neutral and non-polar, with valine, which is neutral and non-polar, at codon 1389 of the ERBIN protein (p.Gly1389Val). This variant is present in population databases (rs751827759, gnomAD 0.0009%). This variant has not been reported in the literature in individuals affected with ERBIN-related conditions. Algorithms developed to predict the effect of missense changes on protein structure and function are either unavailable or do not agree on the potential impact of this missense change (SIFT: "Deleterious"; PolyPhen-2: "Probably Damaging"; Align-GVGD: "Class C0"). In summary, the available evidence is currently insufficient to determine the role of this variant in disease. Therefore, it has been classified as a Variant of Uncertain Significance.